The following is an entry in ClinVar:

ClinVar aggregate classification (germline): Pathogenic. Review status: criteria provided, multiple submitters, no conflicts (2 of 4 stars). 6 submissions from 6 submitters: Pathogenic (6). Last evaluated 2026-03-03.

Conditions:
Breast-ovarian cancer, familial, susceptibility to, 5 (BROVCA5). Identifiers: MedGen C5830615, MONDO:0957530, OMIM 620442.
Hereditary cancer-predisposing syndrome. Also called: Tumor predisposition; Hereditary neoplastic syndrome; Hereditary Cancer Syndrome; Neoplastic Syndromes, Hereditary. Identifiers: Orphanet 140162, MedGen C0027672, MeSH D009386, MONDO:0015356.
Familial cancer of breast. Also called: BREAST CANCER, FAMILIAL; Hereditary breast cancer; hereditary breast carcinoma. Identifiers: Orphanet 227535, MedGen C0346153, MONDO:0016419, OMIM 114480. Disease mechanism: loss of function.

Allele frequency attached by ClinVar (database versions not stated): gnomAD exomes below 0.00001.

Submissions (6):

Dasa
Classification: Pathogenic for Breast-ovarian cancer, familial, susceptibility to, 5. Last evaluated: 2026-03-03. Review status: criteria provided, single submitter. Criteria: DASA Assertion Criteria. Collection method: clinical testing. Allele origin: germline.
Comment: NM_024675.4(PALB2):c.3027del (p.Glu1010Argfs*5) is a frameshift variant in PALB2 predicted to alter the reading frame and introduce a premature termination codon and is predicted to result in an absent or altered protein product. Loss of function is an established disease mechanism for PALB2 (PMID: 17200668; PMID: 25099575; PMID: 31841383). The affected residue or protein region has prior evidence supporting clinical relevance. Published studies describe this variant in association with Breast-ovarian cancer, familial, susceptibility to, 5 (PMID: 32339256). Also, this variant is rare in population databases. Based on the currently available evidence, this variant is classified as pathogenic.

Labcorp Genetics (formerly Invitae), Labcorp
Classification: Pathogenic for Familial cancer of breast. Last evaluated: 2025-08-24. Review status: criteria provided, single submitter. Criteria: Invitae Variant Classification Sherloc (09022015). Collection method: clinical testing. Allele origin: germline.
Comment: This sequence change creates a premature translational stop signal (p.Glu1010Argfs*5) in the PALB2 gene. It is expected to result in an absent or disrupted protein product. Loss-of-function variants in PALB2 are known to be pathogenic (PMID: 17200668, 17200671, 17200672, 24136930, 25099575). This variant is not present in population databases (gnomAD no frequency). This premature translational stop signal has been observed in individual(s) with breast cancer (PMID: 32339256, 35264596). ClinVar contains an entry for this variant (Variation ID: 231807). For these reasons, this variant has been classified as Pathogenic.

Myriad Genetics, Inc.
Classification: Pathogenic for Familial cancer of breast. Last evaluated: 2023-09-14. Review status: criteria provided, single submitter. Criteria: Myriad Autosomal Dominant, Autosomal Recessive and X-Linked Classification Criteria (2023). Collection method: clinical testing. Allele origin: unknown.
Comment: This variant is considered pathogenic. This variant creates a frameshift predicted to result in premature protein truncation.

Ambry Genetics
Classification: Pathogenic for Hereditary cancer-predisposing syndrome. Last evaluated: 2022-12-15. Review status: criteria provided, single submitter. Criteria: Ambry Variant Classification Scheme 2023. Collection method: clinical testing. Allele origin: germline.
Comment: The c.3027delT pathogenic mutation, located in coding exon 10 of the PALB2 gene, results from a deletion of one nucleotide at nucleotide position 3027, causing a translational frameshift with a predicted alternate stop codon (p.E1010Rfs*5). This alteration is expected to result in loss of function by premature protein truncation or nonsense-mediated mRNA decay. As such, this alteration is interpreted as a disease-causing mutation.

Color Diagnostics, LLC DBA Color Health
Classification: Pathogenic for Hereditary cancer-predisposing syndrome. Last evaluated: 2022-03-16. Review status: criteria provided, single submitter. Criteria: ACMG Guidelines, 2015. Collection method: clinical testing. Allele origin: germline.
Comment: This variant deletes 1 nucleotide in exon 10 of the PALB2 gene, creating a frameshift and premature translation stop signal. This variant is expected to result in an absent or non-functional protein product. This variant has not been identified in the general population by the Genome Aggregation Database (gnomAD). Loss of PALB2 function is a known mechanism of disease. Based on the available evidence, this variant is classified as Pathogenic.

Mendelics
Classification: Pathogenic for Familial cancer of breast. Last evaluated: 2019-05-28. Review status: criteria provided, single submitter. Criteria: Mendelics Assertion Criteria 2017. Collection method: clinical testing. Allele origin: unknown.

Literature cited by the submitters: PubMed 32339256 (cited by Dasa and Labcorp Genetics (formerly Invitae), Labcorp); PubMed 17200668 (cited by Dasa and Labcorp Genetics (formerly Invitae), Labcorp); PubMed 25099575 (cited by Dasa and Labcorp Genetics (formerly Invitae), Labcorp); PubMed 31841383 (cited by Dasa); PubMed 17200671 (cited by Labcorp Genetics (formerly Invitae), Labcorp); PubMed 17200672 (cited by Labcorp Genetics (formerly Invitae), Labcorp); PubMed 24136930 (cited by Labcorp Genetics (formerly Invitae), Labcorp); PubMed 35264596 (cited by Labcorp Genetics (formerly Invitae), Labcorp); PubMed 30564542 (cited by Color Diagnostics, LLC DBA Color Health).

NM_024675.4(PALB2):c.3027del (p.Glu1010fs)

Gene: PALB2 (partner and localizer of BRCA2; minus strand). Cytogenetic location: 16p12.2.
Variant type: Deletion.
Coding change: c.3027del on transcript NM_024675.4 (MANE Select); coding-DNA position 3027, one base deleted (T; older notation c.3027delT).
Protein change: p.Glu1010fs; shifts the reading frame from glutamic acid 1010.
Molecular consequence: frameshift variant.
Genome position (GRCh38, 1-based): chr16:23,621,448, A deleted on the plus strand (T on the coding strand, the reverse complement: PALB2 is on the minus strand). VCF-style (leftmost placement, unchanged base first): chr16-23621447-CA-C. GRCh37 (hg19) VCF-style: chr16-23632768-CA-C.
Other names: c.3027delT (NM_024675.3); short protein forms E1010fs.
Identifiers: ClinVar variation 231807 (VCV000231807.19), dbSNP rs876659378, ClinGen allele CA10579938.